The following is an entry in ClinVar:

NM_000257.4(MYH7):c.225G>A (p.Gln75=)

Gene: MYH7 (myosin heavy chain 7; minus strand). Cytogenetic location: 14q11.2.
Variant type: single nucleotide variant.
Coding change: c.225G>A on transcript NM_000257.4 (MANE Select); coding-DNA position 225, G replaced by A.
Protein change: p.Gln75=; no amino-acid change (glutamine 75 retained).
Molecular consequence: synonymous variant.
Genome position (GRCh38, 1-based): chr14:23,433,204, C>T on the plus strand (G>A on the coding strand, the complement: MYH7 is on the minus strand). VCF-style: chr14-23433204-C-T. GRCh37 (hg19) VCF-style: chr14-23902413-C-T.
Other names: c.225G>A (NM_000257.2).
Identifiers: ClinVar variation 1125697 (VCV001125697.11), dbSNP rs1595091114, ClinGen allele CA485626994.
Genomic context (GRCh38, chr14:23,433,204, plus strand): 5'-GAAGGTCAGCATGGCCATGTCCTCGATTTTGTCGAACTTGGGTGGGTTCTGCTGCATCAC[C>T]TGGTCCTCCTTCACGGTCACTGTCTGCAAGAGCCCCCACCCAAGCCCTCCTGTCAGCCTG-3'
Protein context (NP_000248.2, residues 65-85): YGKTVTVKED[Gln75=]VMQQNPPKFD

ClinVar aggregate classification (germline): Conflicting classifications of pathogenicity. Review status: criteria provided, conflicting classifications (1 of 4 stars). 3 submissions from 3 submitters: Uncertain significance (1); Likely benign (2). Last evaluated 2026-01-14.

Conditions:
Cardiomyopathy (CMYO). Also called: Cardiomyopathies. Identifiers: Orphanet 167848, MedGen C0878544, MONDO:0004994, HP:0001638. Inheritance: Various modes of inheritance.
Hypertrophic cardiomyopathy. Also called: HYPERTROPHIC MYOCARDIOPATHY. Identifiers: Orphanet 217569, MedGen C0007194, MeSH D002312, MONDO:0005045, HP:0001639.

Allele frequency attached by ClinVar (database versions not stated): gnomAD exomes below 0.00001.
gnomAD v4.1: 5 of 1,614,184 alleles (0.00031%); highest among the groups gnomAD compares: African/African-American, 0.004%; no homozygotes.

Submissions (3):

Labcorp Genetics (formerly Invitae), Labcorp
Classification: Likely benign for Hypertrophic cardiomyopathy. Last evaluated: 2026-01-14. Review status: criteria provided, single submitter. Criteria: Invitae Variant Classification Sherloc (09022015). Collection method: clinical testing. Allele origin: germline.

All of Us Research Program, National Institutes of Health
Classification: Likely benign for Cardiomyopathy. Last evaluated: 2024-02-22. Review status: criteria provided, single submitter. Criteria: ACMG Guidelines, 2015. Collection method: clinical testing. Allele origin: germline. Inheritance: Autosomal dominant inheritance. Observed: 1 variant allele, 1 heterozygote.
Comment: This study involves interpretation of variants in research participants for the purpose of population health screening. Participant phenotype was not available at the time of variant classification. Additional details can be found in publication PMID: 35346344, PMCID: PMC8962531

CHEO Genetics Diagnostic Laboratory, Children's Hospital of Eastern Ontario
Classification: Uncertain significance for Cardiomyopathy. Last evaluated: 2021-10-14. Review status: criteria provided, single submitter. Criteria: ACMG Guidelines, 2015. Collection method: clinical testing. Allele origin: germline.